The following is an entry in ClinVar:

NM_144499.3(GNAT1):c.316A>G (p.Met106Val)

Gene: GNAT1 (G protein subunit alpha transducin 1; plus strand). Cytogenetic location: 3p21.31.
Variant type: single nucleotide variant.
Coding change: c.316A>G on transcript NM_144499.3 (MANE Select); coding-DNA position 316, A replaced by G.
Protein change: p.Met106Val; replaces methionine 106 with valine.
Molecular consequence: missense variant.
Genome position (GRCh38, 1-based): chr3:50,193,530, A>G. VCF-style: chr3-50193530-A-G. GRCh37 (hg19) VCF-style: chr3-50230963-A-G.
Other names: c.316A>G, p.Met106Val (NM_000172.4); short protein forms M106V.
Identifiers: ClinVar variation 3701862 (VCV003701862.2).

ClinVar aggregate classification (germline): Uncertain significance (1 of 4 stars; one submission).

Submission:

Labcorp Genetics (formerly Invitae), Labcorp
Classification: Uncertain significance. Last evaluated: 2025-01-29. Review status: criteria provided, single submitter. Criteria: Invitae Variant Classification Sherloc (09022015). Collection method: clinical testing. Allele origin: germline.
Comment: This sequence change replaces methionine, which is neutral and non-polar, with valine, which is neutral and non-polar, at codon 106 of the GNAT1 protein (p.Met106Val). This variant is not present in population databases (gnomAD no frequency). This variant has not been reported in the literature in individuals affected with GNAT1-related conditions. Invitae Evidence Modeling of protein sequence and biophysical properties (such as structural, functional, and spatial information, amino acid conservation, physicochemical variation, residue mobility, and thermodynamic stability) indicates that this missense variant is not expected to disrupt GNAT1 protein function with a negative predictive value of 80%. In summary, the available evidence is currently insufficient to determine the role of this variant in disease. Therefore, it has been classified as a Variant of Uncertain Significance.